The following is an entry in ClinVar:

NM_015374.3(SUN2):c.282C>A (p.Asn94Lys)

Gene: SUN2 (Sad1 and UNC84 domain containing 2; minus strand). Cytogenetic location: 22q13.1.
Variant type: single nucleotide variant.
Coding change: c.282C>A on transcript NM_015374.3 (MANE Select); coding-DNA position 282, C replaced by A.
Protein change: p.Asn94Lys; replaces asparagine 94 with lysine.
Molecular consequence: missense variant.
Genome position (GRCh38, 1-based): chr22:38,751,214, G>T on the plus strand (C>A on the coding strand, the complement: SUN2 is on the minus strand). VCF-style: chr22-38751214-G-T. GRCh37 (hg19) VCF-style: chr22-39147219-G-T.
Other names: c.282C>A, p.Asn94Lys (NM_001199580.2, NM_001199579.2); short protein forms N94K.
Identifiers: ClinVar variation 1061266 (VCV001061266.9), dbSNP rs750454076, ClinGen allele CA10236035.

ClinVar aggregate classification (germline): Uncertain significance (1 of 4 stars; one submission).

Conditions:
Emery-Dreifuss muscular dystrophy (EDMD). Also called: Scapuloperoneal syndrome, X-linked (formerly); Humeroperoneal neuromuscular disease, (formerly). Identifiers: Orphanet 261, MedGen C0410189, MONDO:0016830.

Allele frequency attached by ClinVar (database versions not stated): gnomAD exomes below 0.00001 and 0.00001; ExAC 0.00001; TOPMed 0.00001.
gnomAD v4.1: 15 of 1,612,428 alleles (0.00093%); highest among the groups gnomAD compares: East Asian, 0.0067%; no homozygotes.

Submission:

Labcorp Genetics (formerly Invitae), Labcorp
Classification: Uncertain significance for Emery-Dreifuss muscular dystrophy. Last evaluated: 2020-03-12. Review status: criteria provided, single submitter. Criteria: Invitae Variant Classification Sherloc (09022015). Collection method: clinical testing. Allele origin: germline.
Comment: This sequence change replaces asparagine with lysine at codon 94 of the SUN2 protein (p.Asn94Lys). The asparagine residue is weakly conserved and there is a moderate physicochemical difference between asparagine and lysine. This variant is present in population databases (rs750454076, ExAC 0.01%). This variant has not been reported in the literature in individuals with SUN2-related conditions. Algorithms developed to predict the effect of missense changes on protein structure and function (SIFT, PolyPhen-2, Align-GVGD) all suggest that this variant is likely to be tolerated, but these predictions have not been confirmed by published functional studies and their clinical significance is uncertain. In summary, the available evidence is currently insufficient to determine the role of this variant in disease. Therefore, it has been classified as a Variant of Uncertain Significance.